The following is an entry in ClinVar:

ClinVar aggregate classification (germline): Uncertain significance (1 of 4 stars; one submission).

gnomAD v4.1: 16 of 1,551,526 alleles (0.001%); highest among the groups gnomAD compares: African/African-American, 0.0055%; no homozygotes.

Submission:

Labcorp Genetics (formerly Invitae), Labcorp
Classification: Uncertain significance. Last evaluated: 2025-06-28. Review status: criteria provided, single submitter. Criteria: Invitae Variant Classification Sherloc (09022015). Collection method: clinical testing. Allele origin: germline.
Comment: This sequence change replaces aspartic acid, which is acidic and polar, with asparagine, which is neutral and polar, at codon 1115 of the GREB1L protein (p.Asp1115Asn). This variant is present in population databases (rs552744472, gnomAD 0.02%). This variant has not been reported in the literature in individuals affected with GREB1L-related conditions. An algorithm developed to predict the effect of missense changes on protein structure and function (PolyPhen-2) suggests that this variant is likely to be disruptive. In summary, the available evidence is currently insufficient to determine the role of this variant in disease. Therefore, it has been classified as a Variant of Uncertain Significance.

NM_001142966.3(GREB1L):c.3343G>A (p.Asp1115Asn)

Gene: GREB1L (GREB1 like retinoic acid receptor coactivator; plus strand). Cytogenetic location: 18q11.1.
Variant type: single nucleotide variant.
Coding change: c.3343G>A on transcript NM_001142966.3 (MANE Select); coding-DNA position 3343, G replaced by A.
Protein change: p.Asp1115Asn; replaces aspartic acid 1115 with asparagine.
Molecular consequence: missense variant.
Genome position (GRCh38, 1-based): chr18:21,496,650, G>A. VCF-style: chr18-21496650-G-A. GRCh37 (hg19) VCF-style: chr18-19076611-G-A.
Other names: c.3472G>A, p.Asp1158Asn (NM_001410867.1); c.3016G>A, p.Asp1006Asn (NM_001410868.1); short protein forms D1006N, D1115N, D1158N.
Identifiers: ClinVar variation 4709213 (VCV004709213.1).